The following is an entry in ClinVar:

ClinVar aggregate classification (germline): Pathogenic (1 of 4 stars; one submission).

Conditions:
Osteogenesis imperfecta type I (OI1). Also called: OI, TYPE I; OSTEOGENESIS IMPERFECTA TARDA; OSTEOGENESIS IMPERFECTA WITH BLUE SCLERAE; Osteogenesis imperfecta type 1; Classic Non-deforming Osteogenesis Imperfecta with Blue Sclerae; Lobstein disease. Identifiers: Orphanet 216796, Orphanet 666, MedGen C0023931, MONDO:0008146, OMIM 166200. Disease mechanism: loss of function.

Submission:

Labcorp Genetics (formerly Invitae), Labcorp
Classification: Pathogenic for Osteogenesis imperfecta type I. Last evaluated: 2022-09-27. Review status: criteria provided, single submitter. Criteria: Invitae Variant Classification Sherloc (09022015). Collection method: clinical testing. Allele origin: germline.
Comment: For these reasons, this variant has been classified as Pathogenic. This variant has not been reported in the literature in individuals affected with COL1A1-related conditions. This variant is not present in population databases (gnomAD no frequency). This sequence change creates a premature translational stop signal (p.Gly536Argfs*3) in the COL1A1 gene. It is expected to result in an absent or disrupted protein product. Loss-of-function variants in COL1A1 are known to be pathogenic (PMID: 7942841, 9295084, 9443882).

Literature cited by the submitters: PubMed 7942841; PubMed 9295084; PubMed 9443882.

NM_000088.4(COL1A1):c.1605_1611del (p.Gly536fs)

Gene: COL1A1 (collagen type I alpha 1 chain; minus strand). Cytogenetic location: 17q21.33.
Variant type: Deletion.
Coding change: c.1605_1611del on transcript NM_000088.4 (MANE Select); coding-DNA positions 1605 to 1611, 7 bases deleted (TGGTGCC; older notation c.1605_1611delTGGTGCC).
Protein change: p.Gly536fs; shifts the reading frame from glycine 536.
Molecular consequence: frameshift variant.
Genome position (GRCh38, 1-based): chr17:50,194,352-50,194,358, GGCACCA deleted on the plus strand (TGGTGCC on the coding strand, the reverse complement: COL1A1 is on the minus strand); deleting any 7 consecutive bases within chr17:50,194,352-50,194,362 gives the same sequence; the c. name uses the placement nearest the transcript's 3' end. VCF-style (leftmost placement, unchanged base first): chr17-50194351-TGGCACCA-T. GRCh37 (hg19) VCF-style: chr17-48271712-TGGCACCA-T.
Other names: short protein forms G536fs.
Identifiers: ClinVar variation 2032831 (VCV002032831.4), dbSNP rs2509218743, ClinGen allele CA2580094420.